The following is an entry in ClinVar:

ClinVar aggregate classification (germline): Uncertain significance (1 of 4 stars; one submission).

gnomAD v4.1: 1 of 1,613,206 alleles (0.000062%); highest among the groups gnomAD compares: Non-Finnish European, 0.000085%; no homozygotes.

Submission:

Labcorp Genetics (formerly Invitae), Labcorp
Classification: Uncertain significance. Last evaluated: 2025-07-03. Review status: criteria provided, single submitter. Criteria: Invitae Variant Classification Sherloc (09022015). Collection method: clinical testing. Allele origin: germline.
Comment: This sequence change replaces leucine, which is neutral and non-polar, with proline, which is neutral and non-polar, at codon 783 of the NYNRIN protein (p.Leu783Pro). This variant is not present in population databases (gnomAD no frequency). This variant has not been reported in the literature in individuals affected with NYNRIN-related conditions. Experimental studies and prediction algorithms are not available or were not evaluated, and the functional significance of this variant is currently unknown. In summary, the available evidence is currently insufficient to determine the role of this variant in disease. Therefore, it has been classified as a Variant of Uncertain Significance.

NM_025081.3(NYNRIN):c.2348T>C (p.Leu783Pro)

Gene: NYNRIN (NYN domain and retroviral integrase containing; plus strand). Cytogenetic location: 14q12.
Variant type: single nucleotide variant.
Coding change: c.2348T>C on transcript NM_025081.3 (MANE Select); coding-DNA position 2348, T replaced by C.
Protein change: p.Leu783Pro; replaces leucine 783 with proline.
Molecular consequence: missense variant.
Genome position (GRCh38, 1-based): chr14:24,410,142, T>C. VCF-style: chr14-24410142-T-C. GRCh37 (hg19) VCF-style: chr14-24879348-T-C.
Other names: short protein forms L783P.
Identifiers: ClinVar variation 4804039 (VCV004804039.1).